The following is an entry in ClinVar:

ClinVar aggregate classification (germline): Pathogenic (1 of 4 stars; one submission).

Conditions:
Hypertrophic cardiomyopathy. Also called: HYPERTROPHIC MYOCARDIOPATHY. Identifiers: Orphanet 217569, MedGen C0007194, MeSH D002312, MONDO:0005045, HP:0001639.

Submission:

Labcorp Genetics (formerly Invitae), Labcorp
Classification: Pathogenic for Hypertrophic cardiomyopathy. Last evaluated: 2022-07-30. Review status: criteria provided, single submitter. Criteria: Invitae Variant Classification Sherloc (09022015). Collection method: clinical testing. Allele origin: germline.
Comment: For these reasons, this variant has been classified as Pathogenic. This variant has not been reported in the literature in individuals affected with MYBPC3-related conditions. This variant is not present in population databases (gnomAD no frequency). This sequence change creates a premature translational stop signal (p.Asp151Metfs*8) in the MYBPC3 gene. It is expected to result in an absent or disrupted protein product. Loss-of-function variants in MYBPC3 are known to be pathogenic (PMID: 19574547).

Literature cited by the submitters: PubMed 19574547.

NM_000256.3(MYBPC3):c.451del (p.Asp151fs)

Gene: MYBPC3 (myosin binding protein C3; minus strand). Cytogenetic location: 11p11.2.
Variant type: Deletion.
Coding change: c.451del on transcript NM_000256.3 (MANE Select); coding-DNA position 451, one base deleted (G; older notation c.451delG).
Protein change: p.Asp151fs; shifts the reading frame from aspartic acid 151.
Molecular consequence: frameshift variant.
Genome position (GRCh38, 1-based): chr11:47,350,068, C deleted on the plus strand (G on the coding strand, the reverse complement: MYBPC3 is on the minus strand). VCF-style (leftmost placement, unchanged base first): chr11-47350067-TC-T. GRCh37 (hg19) VCF-style: chr11-47371618-TC-T.
Other names: short protein forms D151fs.
Identifiers: ClinVar variation 2020668 (VCV002020668.4), dbSNP rs2495781872, ClinGen allele CA2580084248.
Genomic context (GRCh38, chr11:47,350,067, plus strand): 5'-CACTCACCCACGGTCACCTCGCCATCCTGTGGCCGCATCACGAAGAGGCCAATGGGGTCA[TC>T]GGGGGCTCCAGGGGTAGGACCATTGAGAGCTGCTGAGCTTGACCCTGTGAGCAAAGGCTT-3'